The following is an entry in ClinVar:

NM_003119.4(SPG7):c.758+294C>T

Gene: SPG7 (SPG7 matrix AAA peptidase subunit, paraplegin; plus strand). Cytogenetic location: 16q24.3.
Variant type: single nucleotide variant.
Coding change: c.758+294C>T on transcript NM_003119.4 (MANE Select); 294 bases into the intron after coding-DNA position 758, C replaced by T.
Molecular consequence: intron variant.
Genome position (GRCh38, 1-based): chr16:89,526,762, C>T. VCF-style: chr16-89526762-C-T. GRCh37 (hg19) VCF-style: chr16-89593170-C-T.
Other names: c.758+294C>T (NM_001363850.1, NM_199367.3).
Identifiers: ClinVar variation 673166 (VCV000673166.1), dbSNP rs141882852, ClinGen allele CA14290861.
Genomic context (GRCh38, chr16:89,526,762, plus strand): 5'-CCTGAGGATGCCTAAGCCCCTGGTGTAGGATGCTGAAGTCTAAGCCCCTGATGTAGATGC[C>T]GAAGTCTCAGCCCCCGACGTAAGATGCCGAAGTCTCAGCCCCCGACGTAGGATGGCGAAG-3'

ClinVar aggregate classification (germline): Likely benign (1 of 4 stars; one submission).

Allele frequency attached by ClinVar (database versions not stated): gnomAD 0.02459; 1000 Genomes Project 0.01238; TOPMed 0.02433.
gnomAD v4.1: 9,947 of 383,020 alleles (2.6%); highest among the groups gnomAD compares: Non-Finnish European, 3.9%; 217 homozygotes.

Submission:

GeneDx
Classification: Likely benign. Last evaluated: 2018-06-14. Review status: criteria provided, single submitter. Criteria: GeneDx Variant Classification (06012015). Collection method: clinical testing. Allele origin: germline. Affected: yes.
Comment: This variant is considered likely benign or benign based on one or more of the following criteria: it is a conservative change, it occurs at a poorly conserved position in the protein, it is predicted to be benign by multiple in silico algorithms, and/or has population frequency not consistent with disease.